The following is an entry in ClinVar:

ClinVar aggregate classification (germline): Pathogenic/Likely pathogenic. Review status: criteria provided, multiple submitters, no conflicts (2 of 4 stars). 5 submissions from 5 submitters: Pathogenic (3); Likely pathogenic (1). 1 of the submissions does not count toward it. Last evaluated 2026-03-04.

Conditions:
PNKP-related disorder. Also called: PNKP-related disorders; PNKP-related condition.
Microcephaly, seizures, and developmental delay. Identifiers: Orphanet 1934, MedGen C3150667, MONDO:0013254, OMIM 613402.
Ataxia - oculomotor apraxia type 4. Identifiers: Orphanet 459033, MedGen C4225397, MONDO:0014557, OMIM 616267.

Allele frequency attached by ClinVar (database versions not stated): gnomAD exomes below 0.00001 and 0.00001; ExAC 0.00001.

Submissions (5):

Broad Center for Mendelian Genomics, Broad Institute of MIT and Harvard
Classification: Likely pathogenic for Microcephaly, seizures, and developmental delay. Last evaluated: 2026-03-04. Review status: criteria provided, single submitter. Criteria: ACMG Guidelines, 2015. Collection method: research. Allele origin: germline. Inheritance: Autosomal recessive inheritance. Study: GREGoR Consortium.
Comment: The p.Gln50Glu variant in PNKP has been reported in the homozygous and compound heterozygous state in 2 individuals with microcephaly, seizures, and developmental delay, and segregated with disease in 2 affected individuals from 1 family (Previtali 2019 PMID: 31167812; Campopiano 2020 PMID: 32010037). It has also been identified in 0.0002% (2/1179932) of European (non-Finnish) chromosomes by gnomAD. However, this frequency is low enough to be consistent with a recessive allele frequency. This variant has also been reported in ClinVar (Variation ID 692103). Computational prediction tools and conservation analyses suggest that this variant may impact the protein, though this information is not predictive enough to determine pathogenicity. In vitro functional studies provide some evidence that this variant impacts protein function (Islam 2023 PMID: 37061005); however, these types of assays may not accurately represent biological function. In summary, although additional studies are required to fully establish its clinical significance, this variant meets criteria to be classified as likely pathogenic for autosomal recessive microcephaly, seizures, and developmental delay. ACMG/AMP Criteria applied: PM3, PS3_moderate, PP1, PM2_supporting.

Women's Health and Genetics/Laboratory Corporation of America, LabCorp
Classification: Pathogenic for Ataxia - oculomotor apraxia type 4. Last evaluated: 2026-03-03. Review status: criteria provided, single submitter. Criteria: LabCorp Variant Classification Summary - May 2015. Collection method: clinical testing. Allele origin: germline.
Comment: Variant summary: PNKP c.148C>G (p.Gln50Glu) results in a conservative amino acid change in the encoded protein sequence. Algorithms developed to predict the effect of missense changes on protein structure and function are either unavailable or do not agree on the potential impact of this missense change. The variant allele was found at a frequency of 8e-06 in 251174 control chromosomes (gnomAD). c.148C>G has been observed in multiple individuals who had clinical features of PNKP-Related Disorders and this variant co-segregated with the disease (Previtali_2019, Campopiano_2019, Ragona_2025). These data indicate that the variant is very likely to be associated with disease. At least one publication reports experimental evidence evaluating an impact on protein function and this variant affected PNKP protein function (Islam_2023). The following publications have been ascertained in the context of this evaluation (PMID: 32010037, 37061005, 31167812, 41283299). ClinVar contains an entry for this variant (Variation ID: 692103). Based on the evidence outlined above, the variant was classified as pathogenic.

GeneDx
Classification: Pathogenic. Last evaluated: 2024-01-08. Review status: criteria provided, single submitter. Criteria: GeneDx Variant Classification Process June 2021. Collection method: clinical testing. Allele origin: germline. Affected: yes.
Comment: In silico analysis supports that this missense variant does not alter protein structure/function; Not observed at significant frequency in large population cohorts (gnomAD); Published functional studies demonstrate the variant results in impaired protein function (PMID: 37061005); This variant is associated with the following publications: (PMID: 22508754, 31167812, 34697416, 32010037, 37061005)

Blueprint Genetics
Classification: Pathogenic for PNKP-related disorders. Last evaluated: 2020-04-01. Review status: criteria provided, single submitter. Criteria: ACMG Guidelines, 2015. Collection method: clinical testing. Allele origin: germline. Affected: yes. Observed: 2 variant alleles.

Istituto Neurologico Mediterraneo, Istituto di Ricovero e Cura a Carattere Scientifico
Classification: Pathogenic for Ataxia - oculomotor apraxia type 4. Last evaluated: 2019-09-26. Review status: no assertion criteria provided. Collection method: clinical testing. Allele origin: de novo. Inheritance: Autosomal recessive inheritance. Affected: yes. Not counted in ClinVar's aggregate classification.
Comment: Ataxia-oculomotor apraxia 4. Late age of onset.

Literature cited by the submitters: PubMed 31167812 (cited by Women's Health and Genetics/Laboratory Corporation of America, LabCorp); PubMed 32010037 (cited by Women's Health and Genetics/Laboratory Corporation of America, LabCorp); PubMed 37061005 (cited by Women's Health and Genetics/Laboratory Corporation of America, LabCorp); PubMed 41283299 (cited by Women's Health and Genetics/Laboratory Corporation of America, LabCorp).

NM_007254.4(PNKP):c.148C>G (p.Gln50Glu)

Gene: PNKP (polynucleotide kinase 3'-phosphatase; minus strand). Cytogenetic location: 19q13.33.
Variant type: single nucleotide variant.
Coding change: c.148C>G on transcript NM_007254.4 (MANE Select); coding-DNA position 148, C replaced by G.
Protein change: p.Gln50Glu; replaces glutamine 50 with glutamic acid.
Molecular consequence: missense variant.
Genome position (GRCh38, 1-based): chr19:49,867,057, G>C on the plus strand (C>G on the coding strand, the complement: PNKP is on the minus strand). VCF-style: chr19-49867057-G-C. GRCh37 (hg19) VCF-style: chr19-50370314-G-C.
Other names: NM_007254.4(PNKP):c.148C>G; p.Gln50Glu; c.148C>G (NM_007254.2); short protein forms Q50E.
Identifiers: ClinVar variation 692103 (VCV000692103.8), dbSNP rs756746191, ClinGen allele CA9587073.